The following is an entry in ClinVar:

ClinVar aggregate classification (germline): Uncertain significance (1 of 4 stars; one submission).

Submission:

GeneDx
Classification: Uncertain significance. Last evaluated: 2022-08-15. Review status: criteria provided, single submitter. Criteria: GeneDx Variant Classification Process June 2021. Collection method: clinical testing. Allele origin: germline. Affected: yes.
Comment: Not observed at significant frequency in large population cohorts (gnomAD); In silico analysis supports that this missense variant does not alter protein structure/function; Has not been previously published as pathogenic or benign to our knowledge

NM_001008537.3(NEXMIF):c.2795C>A (p.Thr932Lys)

Gene: NEXMIF (neurite extension and migration factor; minus strand). Cytogenetic location: Xq13.3.
Variant type: single nucleotide variant.
Coding change: c.2795C>A on transcript NM_001008537.3 (MANE Select); coding-DNA position 2795, C replaced by A.
Protein change: p.Thr932Lys; replaces threonine 932 with lysine.
Molecular consequence: missense variant.
Genome position (GRCh38, 1-based): chrX:74,741,762, G>T on the plus strand (C>A on the coding strand, the complement: NEXMIF is on the minus strand). VCF-style: chrX-74741762-G-T. GRCh37 (hg19) VCF-style: chrX-73961597-G-T.
Other names: short protein forms T932K.
Identifiers: ClinVar variation 2430768 (VCV002430768.1), dbSNP rs375607660, ClinGen allele CA413667418.